The following is an entry in ClinVar:

ClinVar aggregate classification (germline): Uncertain significance (1 of 4 stars; one submission).

Conditions:
Hypertrophic cardiomyopathy 12. Identifiers: MedGen C2677491, MONDO:0012804, OMIM 612124.
Dilated cardiomyopathy 1M (CMD1M). Identifiers: Orphanet 154, MedGen C1843808, MONDO:0011840, OMIM 607482.

Submission:

Labcorp Genetics (formerly Invitae), Labcorp
Classification: Uncertain significance for Hypertrophic cardiomyopathy 12; Dilated cardiomyopathy 1M. Last evaluated: 2021-07-04. Review status: criteria provided, single submitter. Criteria: Invitae Variant Classification Sherloc (09022015). Collection method: clinical testing. Allele origin: germline.
Comment: This sequence change replaces glutamic acid with aspartic acid at codon 118 of the CSRP3 protein (p.Glu118Asp). The glutamic acid residue is moderately conserved and there is a small physicochemical difference between glutamic acid and aspartic acid. This variant is not present in population databases (ExAC no frequency). This variant has not been reported in the literature in individuals with CSRP3-related conditions. Algorithms developed to predict the effect of missense changes on protein structure and function (SIFT, PolyPhen-2, Align-GVGD) all suggest that this variant is likely to be tolerated, but these predictions have not been confirmed by published functional studies and their clinical significance is uncertain. In summary, the available evidence is currently insufficient to determine the role of this variant in disease. Therefore, it has been classified as a Variant of Uncertain Significance.

NM_003476.5(CSRP3):c.354G>T (p.Glu118Asp)

Gene: CSRP3 (cysteine and glycine rich protein 3; minus strand). Cytogenetic location: 11p15.1.
Variant type: single nucleotide variant.
Coding change: c.354G>T on transcript NM_003476.5 (MANE Select); coding-DNA position 354, G replaced by T.
Protein change: p.Glu118Asp; replaces glutamic acid 118 with aspartic acid.
Molecular consequence: missense variant.
Genome position (GRCh38, 1-based): chr11:19,186,276, C>A on the plus strand (G>T on the coding strand, the complement: CSRP3 is on the minus strand). VCF-style: chr11-19186276-C-A. GRCh37 (hg19) VCF-style: chr11-19207823-C-A.
Other names: c.185G>T, p.Arg62Ile (NM_001369404.1); short protein forms R62I, E118D.
Identifiers: ClinVar variation 1401866 (VCV001401866.8), dbSNP rs876657767, ClinGen allele CA379887951.
Genomic context (GRCh38, chr11:19,186,276, plus strand): 5'-CTTGCCACCTCCCATAACCTTCTCAGCAGCATAGACTGACTTGCCACATCGAGGGCACTT[C>A]TCGGACTCTCCAAACTTCGCAGTGAATTTGGAAGGGTTGCTGGTGGTAACTGAGCGTGCC-3'
Protein context (NP_003467.1, residues 108-128): SKFTAKFGES[Glu118Asp]KCPRCGKSVY